The following is an entry in ClinVar:

NM_194248.3(OTOF):c.2316-3_2329dup

Gene: OTOF (otoferlin; minus strand). Cytogenetic location: 2p23.3.
Variant type: Duplication.
Coding change: c.2316-3_2329dup on transcript NM_194248.3 (MANE Select); 3 bases into the intron before coding-DNA position 2316 through coding-DNA position 2329, 17 bases duplicated (CAGCCGCTTCCTCTCCC).
Molecular consequence: splice acceptor variant.
Genome position (GRCh38, 1-based): chr2:26,477,493-26,477,509, GGGAGAGGAAGCGGCTG duplicated on the plus strand (CAGCCGCTTCCTCTCCC on the coding strand, the reverse complement: OTOF is on the minus strand); duplicating any 17 consecutive bases within chr2:26,477,493-26,477,512 gives the same sequence; the c. name uses the placement nearest the transcript's 3' end. VCF-style (leftmost placement, unchanged base first): chr2-26477492-A-AGGGAGAGGAAGCGGCTG. GRCh37 (hg19) VCF-style: chr2-26700360-A-AGGGAGAGGAAGCGGCTG.
Other names: c.2316-3_2329dup (NM_001287489.2); c.75-3_88dup (NM_194323.3, NM_004802.4); c.246-3_259dup (NM_194322.3).
Identifiers: ClinVar variation 4983788 (VCV004983788.1).
Genomic context (GRCh38, chr2:26,477,492, plus strand): 5'-GACTTGAGGCGCTCCCGGTCAAGCCTGGTGCGGGATGAGTGGCCCTGGTCCTTGTCAGCG[A>AGGGAGAGGAAGCGGCTG]GGGAGAGGAAGCGGCTGGGGGTAGGGCGAGCCGGGGTTTAGCGAGCCTGACCAGCAGGGG-3'

ClinVar aggregate classification (germline): Likely pathogenic (1 of 4 stars; one submission).

Conditions:
OTOF-related disorder. Also called: OTOF-related condition.

Submission:

PreventionGenetics, part of Exact Sciences
Classification: Likely pathogenic for OTOF-related condition. Last evaluated: 2026-04-26. Review status: criteria provided, single submitter. Criteria: ACMG Guidelines, 2015. Collection method: clinical testing. Allele origin: germline.
Comment: The OTOF c.2316-3_2329dup17 variant is predicted to result in a frameshift and premature protein termination (p.Leu777Profs*29). To our knowledge, this variant has not been reported in the literature or in a large population database (gnomAD), indicating this variant is rare. Frameshift variants in OTOF are expected to be pathogenic. This variant is interpreted as likely pathogenic.